The following is an entry in ClinVar:

NM_018082.6(POLR3B):c.2084-15C>T

Gene: POLR3B (RNA polymerase III subunit B; plus strand). Cytogenetic location: 12q23.3.
Variant type: single nucleotide variant.
Coding change: c.2084-15C>T on transcript NM_018082.6 (MANE Select); 15 bases into the intron before coding-DNA position 2084, C replaced by T.
Molecular consequence: intron variant.
Genome position (GRCh38, 1-based): chr12:106,454,487, C>T. VCF-style: chr12-106454487-C-T. GRCh37 (hg19) VCF-style: chr12-106848265-C-T.
Other names: c.1910-15C>T (NM_001160708.2).
Identifiers: ClinVar variation 306941 (VCV000306941.12), dbSNP rs181026609, ClinGen allele CA6762125.

ClinVar aggregate classification (germline): Benign. Review status: criteria provided, multiple submitters, no conflicts (2 of 4 stars). 2 submissions from 2 submitters: Benign (2). Last evaluated 2026-01-19.

Conditions:
Leukodystrophy, hypomyelinating, 8, with or without oligodontia and/or hypogonadotropic hypogonadism. Also called: LEUKODYSTROPHY, HYPOMYELINATING, 8, WITH HYPODONTIA AND HYPOGONADOTROPIC HYPOGONADISM; Hypomyelinating leukodystrophy 8 with or without oligodontia and-or hypogonadotropic hypogonadism; Endosteal sclerosis-cerebellar hypoplasia syndrome. Identifiers: Orphanet 85186, Orphanet 88637, MedGen C3280644, MONDO:0013722, OMIM 614381.

Allele frequency attached by ClinVar (database versions not stated): TOPMed 0.00060; gnomAD 0.00103 and 0.00061; ExAC 0.00228; 1000 Genomes Project 0.00639; 1000 Genomes Project 30x 0.00640; ESP Exome Variant Server 0.00008.
gnomAD v4.1: 1,235 of 1,285,996 alleles (0.096%); highest among the groups gnomAD compares: East Asian, 0.85%; 26 homozygotes.

Submissions (2):

Labcorp Genetics (formerly Invitae), Labcorp
Classification: Benign. Last evaluated: 2026-01-19. Review status: criteria provided, single submitter. Criteria: Invitae Variant Classification Sherloc (09022015). Collection method: clinical testing. Allele origin: germline.

Illumina Laboratory Services, Illumina
Classification: Benign for Leukodystrophy, hypomyelinating, 8, with or without oligodontia and/or hypogonadotropic hypogonadism. Last evaluated: 2018-01-13. Review status: criteria provided, single submitter. Criteria: ICSL Variant Classification Criteria 13 December 2019. Collection method: clinical testing. Allele origin: germline.
Comment: This variant was observed in the ICSL laboratory as part of a predisposition screen in an ostensibly healthy population. It had not been previously curated by ICSL or reported in the Human Gene Mutation Database (HGMD: prior to June 1st, 2018), and was therefore a candidate for classification through an automated scoring system. Utilizing variant allele frequency, disease prevalence and penetrance estimates, and inheritance mode, an automated score was calculated to assess if this variant is too frequent to cause the disease. Based on the score and internal cut-off values, a variant classified as benign is not then subjected to further curation. The score for this variant resulted in a classification of benign for this disease.